The following is an entry in ClinVar:

NM_001844.5(COL2A1):c.2464G>T (p.Gly822Cys)

Gene: COL2A1 (collagen type II alpha 1 chain; minus strand). Cytogenetic location: 12q13.11.
Variant type: single nucleotide variant.
Coding change: c.2464G>T on transcript NM_001844.5 (MANE Select); coding-DNA position 2464, G replaced by T.
Protein change: p.Gly822Cys; replaces glycine 822 with cysteine.
Molecular consequence: missense variant.
Genome position (GRCh38, 1-based): chr12:47,980,968, C>A on the plus strand (G>T on the coding strand, the complement: COL2A1 is on the minus strand). VCF-style: chr12-47980968-C-A. GRCh37 (hg19) VCF-style: chr12-48374751-C-A.
Other names: c.2257G>T, p.Gly753Cys (NM_033150.3); short protein forms G753C, G822C.
Identifiers: ClinVar variation 3345094 (VCV003345094.2).

ClinVar aggregate classification (germline): Likely pathogenic. Review status: criteria provided, single submitter (1 of 4 stars). 2 submissions from 2 submitters: Likely pathogenic (1). 1 of the submissions does not count toward it. Last evaluated 2025-01-30.

Conditions:
COL2A1-related disorder. Also called: COL2A1-related condition; COL2A1-related disorders.
Spondyloepiphyseal dysplasia congenita (SEDC). Also called: SED CONGENITA; SPONDYLOEPIPHYSEAL DYSPLASIA, CONGENITAL TYPE. Identifiers: Orphanet 94068, MedGen C2745959, MONDO:0008471, OMIM 183900.

Submissions (2):

MVZ Martinsried, Medicover Genetics
Classification: Likely pathogenic for Spondyloepiphyseal dysplasia congenita. Last evaluated: 2025-01-30. Review status: criteria provided, single submitter. Criteria: ClinGen Variant Curation SOP V3.2 + Classification Guidance July2025. Collection method: clinical testing. Allele origin: unknown. Affected: yes. Observed: 1 heterozygote.

PreventionGenetics, part of Exact Sciences
Classification: Likely pathogenic for COL2A1-related condition. Last evaluated: 2024-09-25. Review status: no assertion criteria provided. Collection method: clinical testing. Allele origin: germline. Not counted in ClinVar's aggregate classification.
Comment: The COL2A1 c.2464G>T variant is predicted to result in the amino acid substitution p.Gly822Cys. This variant has been reported in individuals with spondyloepiphyseal dysplasia congenita (SEDC) (Table S1, Barat-Houari et al. 2016. PubMed ID: 26443184). Different variants affecting the same amino acid (p.Gly822Ser, p.Gly822Asp) have also been reported in individuals with SEDC/achondrogenesis, type II or hypochondrogenesis (Table S1, Barat-Houari et al. 2016. PubMed ID: 26443184). This variant affects a Gly residue of the conserved triple helical region from amino acids 201-1214. Glycine substitutions in the triple helical region of COL2A1 are expected to be pathogenic (Barat-Houari et al. 2016. PubMed ID: 26626311). This variant has not been reported in a large population database, indicating this variant is rare. This variant is interpreted as likely pathogenic.